The following is an entry in ClinVar:

NM_000199.5(SGSH):c.417G>A (p.Thr139=)

Gene: SGSH (N-sulfoglucosamine sulfohydrolase; minus strand). Cytogenetic location: 17q25.3.
Variant type: single nucleotide variant.
Coding change: c.417G>A on transcript NM_000199.5 (MANE Select); coding-DNA position 417, G replaced by A.
Protein change: p.Thr139=; no amino-acid change (threonine 139 retained).
Molecular consequence: synonymous variant. On other transcripts: non-coding transcript variant (1).
Genome position (GRCh38, 1-based): chr17:80,214,704, C>T on the plus strand (G>A on the coding strand, the complement: SGSH is on the minus strand). VCF-style: chr17-80214704-C-T. GRCh37 (hg19) VCF-style: chr17-78188503-C-T.
Other names: c.417G>A, p.Thr139= (NM_001352921.3, NM_001352922.2).
Identifiers: ClinVar variation 891716 (VCV000891716.12), dbSNP rs142729872, ClinGen allele CA8818019.

ClinVar aggregate classification (germline): Conflicting classifications of pathogenicity. Review status: criteria provided, conflicting classifications (1 of 4 stars). 4 submissions from 4 submitters: Uncertain significance (2); Likely benign (2). Last evaluated 2026-01-02.

Conditions:
Mucopolysaccharidosis, MPS-III-A (MPS3A). Also called: SANFILIPPO SYNDROME A; SULFAMIDASE DEFICIENCY; MPS III A; HEPARAN SULFATE SULFATASE DEFICIENCY; Mucopolysaccharidosis, type IIIA; MUCOPOLYSACCHARIDOSIS, TYPE IIIA, ATTENUATED. Identifiers: Orphanet 581, Orphanet 79269, MedGen C0086647, MONDO:0009655, OMIM 252900.
SGSH-related disorder. Also called: SGSH-related condition.

Allele frequency attached by ClinVar (database versions not stated): gnomAD exomes 0.00003 and 0.00014; 1000 Genomes Project 30x 0.00031; gnomAD 0.00010 and 0.00009; 1000 Genomes Project 0.00020; ExAC 0.00004; TOPMed 0.00006.

Submissions (4):

PreventionGenetics, part of Exact Sciences
Classification: Likely benign for SGSH-related condition. Last evaluated: 2026-01-02. Review status: criteria provided, single submitter. Criteria: ACMG Guidelines, 2015. Collection method: clinical testing. Allele origin: germline.
Comment: This variant is classified as likely benign based on ACMG/AMP sequence variant interpretation guidelines (Richards et al. 2015 PMID: 25741868, with internal and published modifications).

Labcorp Genetics (formerly Invitae), Labcorp
Classification: Likely benign for Mucopolysaccharidosis, MPS-III-A. Last evaluated: 2025-12-16. Review status: criteria provided, single submitter. Criteria: Invitae Variant Classification Sherloc (09022015). Collection method: clinical testing. Allele origin: germline.

Genome-Nilou Lab
Classification: Uncertain significance for Mucopolysaccharidosis, MPS-III-A. Last evaluated: 2021-11-07. Review status: criteria provided, single submitter. Criteria: ACMG Guidelines, 2015. Collection method: clinical testing. Allele origin: germline. Affected: no.

Illumina Laboratory Services, Illumina
Classification: Uncertain significance for Mucopolysaccharidosis, MPS-III-A. Last evaluated: 2018-01-12. Review status: criteria provided, single submitter. Criteria: ICSL Variant Classification Criteria 13 December 2019. Collection method: clinical testing. Allele origin: germline.